The following is an entry in ClinVar:

NM_000039.3(APOA1):c.494T>C (p.Leu165Pro)

Genes: APOA1 (apolipoprotein A1; minus strand), APOA1-AS (APOA1 antisense RNA; plus strand). Cytogenetic location: 11q23.3.
Variant type: single nucleotide variant.
Coding change: c.494T>C on transcript NM_000039.3 (MANE Select); coding-DNA position 494, T replaced by C.
Protein change: p.Leu165Pro; replaces leucine 165 with proline.
Molecular consequence: missense variant. On other transcripts: non-coding transcript variant (1).
Genome position (GRCh38, 1-based): chr11:116,836,118, A>G on the plus strand (T>C on the coding strand, the complement: APOA1 is on the minus strand). VCF-style: chr11-116836118-A-G. GRCh37 (hg19) VCF-style: chr11-116706834-A-G.
Other names: c.494T>C, p.Leu165Pro (NM_001318017.2, NM_001318018.2); c.167T>C, p.Leu56Pro (NM_001318021.2); short protein forms L165P, L56P.
Identifiers: ClinVar variation 2586722 (VCV002586722.2), dbSNP rs779081481, ClinGen allele CA382715505.

ClinVar aggregate classification (germline): Uncertain significance (1 of 4 stars; one submission).

Conditions:
Cardiovascular phenotype. Identifiers: MedGen CN230736.

Submission:

Ambry Genetics
Classification: Uncertain significance for Cardiovascular phenotype. Last evaluated: 2023-06-22. Review status: criteria provided, single submitter. Criteria: Ambry Variant Classification Scheme 2023. Collection method: clinical testing. Allele origin: germline.
Comment: The p.L165P variant (also known as c.494T>C), located in coding exon 3 of the APOA1 gene, results from a T to C substitution at nucleotide position 494. The leucine at codon 165 is replaced by proline, an amino acid with similar properties. This amino acid position is conserved. In addition, this alteration is predicted to be deleterious by in silico analysis. Since supporting evidence is limited at this time, the clinical significance of this alteration remains unclear.